The following is an entry in ClinVar:

NM_001999.4(FBN2):c.4386C>T (p.Asn1462=)

Gene: FBN2 (fibrillin 2; minus strand). Cytogenetic location: 5q23.3.
Variant type: single nucleotide variant.
Coding change: c.4386C>T on transcript NM_001999.4 (MANE Select); coding-DNA position 4386, C replaced by T.
Protein change: p.Asn1462=; no amino-acid change (asparagine 1462 retained).
Molecular consequence: synonymous variant.
Genome position (GRCh38, 1-based): chr5:128,328,781, G>A on the plus strand (C>T on the coding strand, the complement: FBN2 is on the minus strand). VCF-style: chr5-128328781-G-A. GRCh37 (hg19) VCF-style: chr5-127664473-G-A.
Other names: p.Asn1462=.
Identifiers: ClinVar variation 2052946 (VCV002052946.6), dbSNP rs760886370, ClinGen allele CA3394976.

ClinVar aggregate classification (germline): Benign/Likely benign. Review status: criteria provided, multiple submitters, no conflicts (2 of 4 stars). 3 submissions from 3 submitters: Benign (1); Likely benign (2). Last evaluated 2025-09-29.

Conditions:
Congenital contractural arachnodactyly (CCA). Also called: Arthrogryposis, distal, type 9; Beals-Hecht syndrome; BEALS SYNDROME. Identifiers: Orphanet 115, MedGen C0220668, MONDO:0007363, OMIM 121050.

Allele frequency attached by ClinVar (database versions not stated): ExAC 0.00001; gnomAD exomes 0.00001.
gnomAD v4.1: 18 of 1,614,098 alleles (0.0011%); highest among the groups gnomAD compares: South Asian, 0.0033%; no homozygotes.

Submissions (3):

Mayo Clinic Laboratories, Mayo Clinic
Classification: Likely benign. Last evaluated: 2025-09-29. Review status: criteria provided, single submitter. Criteria: ACMG Guidelines, 2015. Collection method: clinical testing. Allele origin: germline. Observed: 1 variant allele.
Comment: BP4, BP7

Labcorp Genetics (formerly Invitae), Labcorp
Classification: Benign for Congenital contractural arachnodactyly. Last evaluated: 2025-09-10. Review status: criteria provided, single submitter. Criteria: Invitae Variant Classification Sherloc (09022015). Collection method: clinical testing. Allele origin: germline.

Laboratory of Genetics, Children's Clinical University Hospital Latvia
Classification: Likely benign. Last evaluated: 2025-02-16. Review status: criteria provided, single submitter. Criteria: ACMG Guidelines, 2015. Collection method: clinical testing. Allele origin: germline. Affected: yes.